The following is an entry in ClinVar:

ClinVar aggregate classification (germline): Likely benign. Review status: criteria provided, multiple submitters, no conflicts (2 of 4 stars). 2 submissions from 2 submitters: Likely benign (2). Last evaluated 2026-06-29.

Conditions:
ANK2-related disorder. Also called: ANK2-related condition.

gnomAD v4.1: 126 of 152,164 alleles (0.083%); highest among the groups gnomAD compares: African/African-American, 0.3%; no homozygotes.

Submissions (2):

PreventionGenetics, part of Exact Sciences
Classification: Likely benign for ANK2-related condition. Last evaluated: 2026-06-29. Review status: criteria provided, single submitter. Criteria: ACMG Guidelines, 2015. Collection method: clinical testing. Allele origin: germline.
Comment: This variant is classified as likely benign based on ACMG/AMP sequence variant interpretation guidelines (Richards et al. 2015 PMID: 25741868, with internal and published modifications).

Molecular Diagnostic Laboratory for Inherited Cardiovascular Disease, Montreal Heart Institute
Classification: Likely benign. Last evaluated: 2025-04-09. Review status: criteria provided, single submitter. Criteria: ACMG Guidelines, 2015. Collection method: clinical testing. Allele origin: germline. Affected: no.

NM_001354269.3(ANK2):c.61C>T (p.Arg21Trp)

Gene: ANK2 (ankyrin 2; plus strand). Cytogenetic location: 4q25.
Variant type: single nucleotide variant.
Coding change: c.61C>T on transcript NM_001354269.3; coding-DNA position 61, C replaced by T.
Protein change: p.Arg21Trp; replaces arginine 21 with tryptophan.
Molecular consequence: missense variant.
Genome position (GRCh38, 1-based): chr4:112,706,206, C>T. VCF-style: chr4-112706206-C-T. GRCh37 (hg19) VCF-style: chr4-113627362-C-T.
Other names: c.61C>T (NM_001354269.1); c.61C>T, p.Arg21Trp (NM_001386148.2, NM_001386186.2, NM_001386187.2); short protein forms R21W.
Identifiers: ClinVar variation 3894995 (VCV003894995.2), dbSNP rs1003800241.